The following is an entry in ClinVar:

ClinVar aggregate classification (germline): Uncertain significance (1 of 4 stars; one submission).

Conditions:
Periodic fever-infantile enterocolitis-autoinflammatory syndrome. Also called: Autoinflammation with infantile enterocolitis. Identifiers: Orphanet 436166, MedGen C4015067, MONDO:0014472, OMIM 616050.
Familial cold autoinflammatory syndrome 4 (FCAS4). Identifiers: Orphanet 47045, Orphanet 576349, MedGen C4015276, MONDO:0014498, OMIM 616115.

Allele frequency attached by ClinVar (database versions not stated): gnomAD 0.00001.
gnomAD v4.1: 1 of 1,614,002 alleles (0.000062%); highest among the groups gnomAD compares: African/African-American, 0.0013%; no homozygotes.

Submission:

Labcorp Genetics (formerly Invitae), Labcorp
Classification: Uncertain significance for Periodic fever-infantile enterocolitis-autoinflammatory syndrome; Familial cold autoinflammatory syndrome 4. Last evaluated: 2019-05-01. Review status: criteria provided, single submitter. Criteria: Invitae Variant Classification Sherloc (09022015). Collection method: clinical testing. Allele origin: germline.
Comment: In summary, the available evidence is currently insufficient to determine the role of this variant in disease. Therefore, it has been classified as a Variant of Uncertain Significance. Algorithms developed to predict the effect of missense changes on protein structure and function (SIFT, PolyPhen-2, Align-GVGD) all suggest that this variant is likely to be tolerated, but these predictions have not been confirmed by published functional studies and their clinical significance is uncertain. This variant has not been reported in the literature in individuals with NLRC4-related disease. This variant is not present in population databases (ExAC no frequency). This sequence change replaces arginine with glutamine at codon 492 of the NLRC4 protein (p.Arg492Gln). The arginine residue is weakly conserved and there is a small physicochemical difference between arginine and glutamine.

NM_001199138.2(NLRC4):c.1475G>A (p.Arg492Gln)

Gene: NLRC4 (NLR family CARD domain containing 4; minus strand). Cytogenetic location: 2p22.3.
Variant type: single nucleotide variant.
Coding change: c.1475G>A on transcript NM_001199138.2 (MANE Select); coding-DNA position 1475, G replaced by A.
Protein change: p.Arg492Gln; replaces arginine 492 with glutamine.
Molecular consequence: missense variant. On other transcripts: intron variant (1).
Genome position (GRCh38, 1-based): chr2:32,250,389, C>T on the plus strand (G>A on the coding strand, the complement: NLRC4 is on the minus strand). VCF-style: chr2-32250389-C-T. GRCh37 (hg19) VCF-style: chr2-32475458-C-T.
Other names: c.1475G>A, p.Arg492Gln (NM_001199139.2, NM_021209.5); c.262+2030G>A (NM_001302504.1); short protein forms R492Q.
Identifiers: ClinVar variation 570941 (VCV000570941.11), dbSNP rs1375814112, ClinGen allele CA346512381.